The following is an entry in ClinVar:

NM_001379500.1(COL18A1):c.2727G>A (p.Lys909=)

Genes: COL18A1 (collagen type XVIII alpha 1 chain; plus strand), SLC19A1 (solute carrier family 19 member 1; minus strand). Cytogenetic location: 21q22.3.
Variant type: single nucleotide variant.
Coding change: c.2727G>A on transcript NM_001379500.1 (MANE Select); coding-DNA position 2727, G replaced by A.
Protein change: p.Lys909=; no amino-acid change (lysine 909 retained).
Molecular consequence: synonymous variant.
Genome position (GRCh38, 1-based): chr21:45,504,054, G>A. VCF-style: chr21-45504054-G-A. GRCh37 (hg19) VCF-style: chr21-46923968-G-A.
Other names: c.3267G>A, p.Lys1089= (NM_030582.4); c.3972G>A, p.Lys1324= (NM_130444.3).
Identifiers: ClinVar variation 1403938 (VCV001403938.3), dbSNP rs777297147, ClinGen allele CA10067401.

ClinVar aggregate classification (germline): Uncertain significance (1 of 4 stars; one submission).

Allele frequency attached by ClinVar (database versions not stated): gnomAD exomes below 0.00001 and 0.00001; ExAC 0.00002; gnomAD 0.00002; TOPMed 0.00002.
gnomAD v4.1: 6 of 1,613,532 alleles (0.00037%); highest among the groups gnomAD compares: African/African-American, 0.0053%; no homozygotes.

Submission:

Labcorp Genetics (formerly Invitae), Labcorp
Classification: Uncertain significance. Last evaluated: 2022-06-13. Review status: criteria provided, single submitter. Criteria: Invitae Variant Classification Sherloc (09022015). Collection method: clinical testing. Allele origin: germline.
Comment: This sequence change affects codon 909 of the COL18A1 mRNA. It is a 'silent' change, meaning that it does not change the encoded amino acid sequence of the COL18A1 protein. This variant also falls at the last nucleotide of exon 33, which is part of the consensus splice site for this exon. This variant is present in population databases (rs777297147, gnomAD 0.006%). This variant has not been reported in the literature in individuals affected with COL18A1-related conditions. Variants that disrupt the consensus splice site are a relatively common cause of aberrant splicing (PMID: 17576681, 9536098). Algorithms developed to predict the effect of sequence changes on RNA splicing suggest that this variant may disrupt the consensus splice site. In summary, the available evidence is currently insufficient to determine the role of this variant in disease. Therefore, it has been classified as a Variant of Uncertain Significance.

Literature cited by the submitters: PubMed 17576681; PubMed 9536098.